The following is an entry in ClinVar:

NM_001101362.3(KBTBD13):c.21C>G (p.Thr7=)

Gene: KBTBD13 (kelch repeat and BTB domain containing 13; plus strand). Cytogenetic location: 15q22.31.
Variant type: single nucleotide variant.
Coding change: c.21C>G on transcript NM_001101362.3 (MANE Select); coding-DNA position 21, C replaced by G.
Protein change: p.Thr7=; no amino-acid change (threonine 7 retained).
Molecular consequence: synonymous variant.
Genome position (GRCh38, 1-based): chr15:65,076,836, C>G. VCF-style: chr15-65076836-C-G. GRCh37 (hg19) VCF-style: chr15-65369174-C-G.
Identifiers: ClinVar variation 4717482 (VCV004717482.1).
Genomic context (GRCh38, chr15:65,076,836, plus strand): 5'-CCCAAGGCCCCAGCGGCAGCCTCCGCCCGGCCAGCTCGCCATGGCACGGGGTCCACAGAC[C>G]CTGGTGCAGGTGTGGGTGGGCGGCCAGCTCTTCCAAGCCGACCGCGCCCTGCTGGTGGAG-3'
Protein context (NP_001094832.1, residues 1-17): MARGPQ[Thr7=]LVQVWVGGQL

ClinVar aggregate classification (germline): Uncertain significance (1 of 4 stars; one submission).

Conditions:
Nemaline myopathy 6 (NEM6). Also called: Nemaline myopathy 6, autosomal dominant. Identifiers: Orphanet 171439, MedGen C1836472, MONDO:0012237, OMIM 609273.

Submission:

Labcorp Genetics (formerly Invitae), Labcorp
Classification: Uncertain significance for Nemaline myopathy 6. Last evaluated: 2025-06-02. Review status: criteria provided, single submitter. Criteria: Invitae Variant Classification Sherloc (09022015). Collection method: clinical testing. Allele origin: germline.
Comment: This sequence change affects codon 7 of the KBTBD13 mRNA. It is a 'silent' change, meaning that it does not change the encoded amino acid sequence of the KBTBD13 protein. This variant is not present in population databases (gnomAD no frequency). This variant has not been reported in the literature in individuals affected with KBTBD13-related conditions. In summary, the available evidence is currently insufficient to determine the role of this variant in disease. Therefore, it has been classified as a Variant of Uncertain Significance.